The following is an entry in ClinVar:

NM_000243.3(MEFV):c.1760-1G>T

Genes: MEFV (MEFV innate immunity regulator, pyrin; minus strand), LOC126862264 (CDK7 strongly-dependent group 2 enhancer GRCh37_chr16:3293322-3294521; plus strand). Cytogenetic location: 16p13.3.
Variant type: single nucleotide variant.
Coding change: c.1760-1G>T on transcript NM_000243.3 (MANE Select); the canonical splice acceptor site of the intron before coding-DNA position 1760, G replaced by T.
Molecular consequence: splice acceptor variant. On other transcripts: missense variant (1).
Genome position (GRCh38, 1-based): chr16:3,243,893, C>A on the plus strand (G>T on the coding strand, the complement: MEFV is on the minus strand). VCF-style: chr16-3243893-C-A. GRCh37 (hg19) VCF-style: chr16-3293893-C-A.
Other names: c.1301G>T, p.Ser434Ile (NM_001198536.2); short protein forms S434I.
Identifiers: ClinVar variation 2114201 (VCV002114201.4), dbSNP rs2543140304, ClinGen allele CA394488997.

ClinVar aggregate classification (germline): Uncertain significance (1 of 4 stars; one submission).

Conditions:
Familial Mediterranean fever (FMF). Also called: POLYSEROSITIS, FAMILIAL PAROXYSMAL; POLYSEROSITIS, RECURRENT; Periodic peritonitis; Benign paroxysmal peritonitis. Identifiers: Orphanet 342, MedGen C0031069, MONDO:0018088, OMIM 249100. Disease mechanism: gain of function.

Submission:

Labcorp Genetics (formerly Invitae), Labcorp
Classification: Uncertain significance for Familial Mediterranean fever. Last evaluated: 2025-02-24. Review status: criteria provided, single submitter. Criteria: Invitae Variant Classification Sherloc (09022015). Collection method: clinical testing. Allele origin: germline.
Comment: This sequence change affects an acceptor splice site in intron 8 of the MEFV gene. It is expected to disrupt RNA splicing. Variants that disrupt the donor or acceptor splice site typically lead to a loss of protein function (PMID: 16199547), however the current clinical and genetic evidence is not sufficient to establish whether loss-of-function variants in MEFV cause disease. This variant is not present in population databases (gnomAD no frequency). This variant has not been reported in the literature in individuals affected with MEFV-related conditions. ClinVar contains an entry for this variant (Variation ID: 2114201). Algorithms developed to predict the effect of sequence changes on RNA splicing suggest that this variant may disrupt the consensus splice site. In summary, the available evidence is currently insufficient to determine the role of this variant in disease. Therefore, it has been classified as a Variant of Uncertain Significance.

Literature cited by the submitters: PubMed 16199547.